The following is an entry in ClinVar:

ClinVar aggregate classification (germline): Pathogenic (1 of 4 stars; one submission).

Conditions:
Neurodegeneration with brain iron accumulation 5 (NBIA5). Also called: Beta-propeller protein-associated neurodegeneration; STATIC ENCEPHALOPATHY OF CHILDHOOD WITH NEURODEGENERATION IN ADULTHOOD. Identifiers: Orphanet 329284, MedGen C3550973, MONDO:0010476, OMIM 300894.

Submission:

Labcorp Genetics (formerly Invitae), Labcorp
Classification: Pathogenic for Neurodegeneration with brain iron accumulation 5. Last evaluated: 2023-12-09. Review status: criteria provided, single submitter. Criteria: Invitae Variant Classification Sherloc (09022015). Collection method: clinical testing. Allele origin: germline.
Comment: This sequence change creates a premature translational stop signal (p.Glu76Aspfs*38) in the WDR45 gene. It is expected to result in an absent or disrupted protein product. Loss-of-function variants in WDR45 are known to be pathogenic (PMID: 23176820, 24368176, 24621584, 25744623, 26790960, 27030146, 27652284, 28554332). This variant is not present in population databases (gnomAD no frequency). This premature translational stop signal has been observed in individual(s) with neurodegeneration with brain iron accumulation (PMID: 23176820). For these reasons, this variant has been classified as Pathogenic.

Literature cited by the submitters: PubMed 23176820; PubMed 24368176; PubMed 24621584; PubMed 25744623; PubMed 26790960; PubMed 27030146; PubMed 27652284; PubMed 28554332.

NM_001029896.2(WDR45):c.228_229del (p.Glu76fs)

Genes: WDR45 (WD repeat domain 45; minus strand), LOC126863256 (BRD4-independent group 4 enhancer GRCh37_chrX:48934848-48936047; plus strand). Cytogenetic location: Xp11.23.
Variant type: Microsatellite.
Coding change: c.228_229del on transcript NM_001029896.2 (MANE Select); coding-DNA positions 228 to 229, 2 bases deleted (GA; older notation c.228_229delGA).
Protein change: p.Glu76fs; shifts the reading frame from glutamic acid 76.
Molecular consequence: frameshift variant.
Genome position (GRCh38, 1-based): chrX:49,077,649-49,077,650, TC deleted on the plus strand (GA on the coding strand, the reverse complement: WDR45 is on the minus strand); deleting any 2 consecutive bases within chrX:49,077,649-49,077,653 gives the same sequence; the c. name uses the placement nearest the transcript's 3' end. VCF-style (leftmost placement, unchanged base first): chrX-49077648-ATC-A. GRCh37 (hg19) VCF-style: chrX-48935307-ATC-A.
Other names: c.228_229del, p.Glu76fs (NM_007075.4); short protein forms E76fs.
Identifiers: ClinVar variation 2737224 (VCV002737224.3), dbSNP rs2520266117, ClinGen allele CA2695233875.
Genomic context (GRCh38, chrX:49,077,648, plus strand): 5'-TGGGAGGCCAGGAATCCGAGAAATCTGGGCCAAAGGGCAGGATGAGGGCACTTACCTGAG[ATC>A]TCTGAGAACTTGGGACTACTACCACCGCCCACCAAGGCCAGAAGGTTGGAGCGGTGCAGC-3'